The following is an entry in ClinVar:

ClinVar aggregate classification (germline): Uncertain significance (1 of 4 stars; one submission).

Conditions:
Oligodontia-cancer predisposition syndrome. Also called: TOOTH AGENESIS-COLORECTAL CANCER SYNDROME. Identifiers: Orphanet 300576, MedGen C1837750, MONDO:0012075, OMIM 608615. Disease mechanism: loss of function.

Submission:

Labcorp Genetics (formerly Invitae), Labcorp
Classification: Uncertain significance for Oligodontia-cancer predisposition syndrome. Last evaluated: 2020-09-02. Review status: criteria provided, single submitter. Criteria: Invitae Variant Classification Sherloc (09022015). Collection method: clinical testing. Allele origin: germline.
Comment: This variant is not present in population databases (ExAC no frequency). In summary, the available evidence is currently insufficient to determine the role of this variant in disease. Therefore, it has been classified as a Variant of Uncertain Significance. Algorithms developed to predict the effect of missense changes on protein structure and function are either unavailable or do not agree on the potential impact of this missense change (SIFT: "Deleterious"; PolyPhen-2: "Probably Damaging"; Align-GVGD: "Class C15"). This variant has not been reported in the literature in individuals with AXIN2-related conditions. This sequence change replaces aspartic acid with asparagine at codon 440 of the AXIN2 protein (p.Asp440Asn). The aspartic acid residue is highly conserved and there is a small physicochemical difference between aspartic acid and asparagine.

NM_004655.4(AXIN2):c.1318G>A (p.Asp440Asn)

Gene: AXIN2 (axin 2; minus strand). Cytogenetic location: 17q24.1.
Variant type: single nucleotide variant.
Coding change: c.1318G>A on transcript NM_004655.4 (MANE Select); coding-DNA position 1318, G replaced by A.
Protein change: p.Asp440Asn; replaces aspartic acid 440 with asparagine.
Molecular consequence: missense variant.
Genome position (GRCh38, 1-based): chr17:65,537,718, C>T on the plus strand (G>A on the coding strand, the complement: AXIN2 is on the minus strand). VCF-style: chr17-65537718-C-T. GRCh37 (hg19) VCF-style: chr17-63533836-C-T.
Other names: c.1318G>A, p.Asp440Asn (NM_001363813.1); short protein forms D440N.
Identifiers: ClinVar variation 1025301 (VCV001025301.8), dbSNP rs2043959110, ClinGen allele CA400677744.
Genomic context (GRCh38, chr17:65,537,718, plus strand): 5'-AGCGGCCTACGCCTGGAGACTGGCAGCCAGGGGTCTTGAGGACCCTGGACAGGTGATCGT[C>T]CAGTATCGTCTGCGGGTCTTCCTCGTAGCTGCCGGAGGGCAGTAGGGAGAGGGGGTGCTG-3'
Protein context (NP_004646.3, residues 430-450): SYEEDPQTIL[Asp440Asn]DHLSRVLKTP